The following is an entry in ClinVar:

ClinVar aggregate classification (germline): Uncertain significance. Review status: criteria provided, multiple submitters, no conflicts (2 of 4 stars). 2 submissions from 2 submitters: Uncertain significance (2). Last evaluated 2025-10-28.

Conditions:
Charcot-Marie-Tooth disease axonal type 2V. Also called: CHARCOT-MARIE-TOOTH NEUROPATHY, TYPE 2V; CHARCOT-MARIE-TOOTH DISEASE, AXONAL, AUTOSOMAL DOMINANT, TYPE 2V. Identifiers: Orphanet 447964, MedGen C5569050, MONDO:0014665, OMIM 616491.
Mucopolysaccharidosis, MPS-III-B (MPS3B). Also called: MPS IIIB (Sanfilippo Syndrome Type B); N-ACETYL-ALPHA-D-GLUCOSAMINIDASE DEFICIENCY; NAGLU DEFICIENCY; MUCOPOLYSACCHARIDOSIS, TYPE IIIB; Mucopolysaccharidosis type IIIB (Sanfilippo B); SANFILIPPO SYNDROME B. Identifiers: Orphanet 79270, MedGen C0086648, MONDO:0009656, OMIM 252920.

Allele frequency attached by ClinVar (database versions not stated): gnomAD exomes 0.00002 and 0.00006; TOPMed 0.00003; gnomAD 0.00003; ExAC 0.00001.

Submissions (2):

Women's Health and Genetics/Laboratory Corporation of America, LabCorp
Classification: Uncertain significance. Last evaluated: 2025-10-28. Review status: criteria provided, single submitter. Criteria: LabCorp Variant Classification Summary - May 2015. Collection method: clinical testing. Allele origin: germline.
Comment: Variant summary: NAGLU c.1786G>T (p.Gly596Cys) results in a non-conservative amino acid change in the encoded protein sequence. Algorithms developed to predict the effect of missense changes on protein structure and function all suggest that this variant is likely to be disruptive. The variant allele was found at a frequency of 1.7e-05 in 238690 control chromosomes. The available data on variant occurrences in the general population are insufficient to allow any conclusion about variant significance. To our knowledge, no occurrence of c.1786G>T in individuals affected with NAGLU-related conditions and no experimental evidence demonstrating its impact on protein function have been reported. ClinVar contains an entry for this variant (Variation ID: 1413510). Based on the evidence outlined above, the variant was classified as uncertain significance.

Labcorp Genetics (formerly Invitae), Labcorp
Classification: Uncertain significance for Charcot-Marie-Tooth disease axonal type 2V; Mucopolysaccharidosis, MPS-III-B. Last evaluated: 2022-10-17. Review status: criteria provided, single submitter. Criteria: Invitae Variant Classification Sherloc (09022015). Collection method: clinical testing. Allele origin: germline.
Comment: This sequence change replaces glycine, which is neutral and non-polar, with cysteine, which is neutral and slightly polar, at codon 596 of the NAGLU protein (p.Gly596Cys). The frequency data for this variant in the population databases is considered unreliable, as metrics indicate poor data quality at this position in the gnomAD database. This variant has not been reported in the literature in individuals affected with NAGLU-related conditions. ClinVar contains an entry for this variant (Variation ID: 1413510). Advanced modeling of protein sequence and biophysical properties (such as structural, functional, and spatial information, amino acid conservation, physicochemical variation, residue mobility, and thermodynamic stability) performed at Invitae indicates that this missense variant is expected to disrupt NAGLU protein function. In summary, the available evidence is currently insufficient to determine the role of this variant in disease. Therefore, it has been classified as a Variant of Uncertain Significance.

NM_000263.4(NAGLU):c.1786G>T (p.Gly596Cys)

Gene: NAGLU (N-acetyl-alpha-glucosaminidase; plus strand). Cytogenetic location: 17q21.2.
Variant type: single nucleotide variant.
Coding change: c.1786G>T on transcript NM_000263.4 (MANE Select); coding-DNA position 1786, G replaced by T.
Protein change: p.Gly596Cys; replaces glycine 596 with cysteine.
Molecular consequence: missense variant.
Genome position (GRCh38, 1-based): chr17:42,543,792, G>T. VCF-style: chr17-42543792-G-T. GRCh37 (hg19) VCF-style: chr17-40695810-G-T.
Other names: short protein forms G596C.
Identifiers: ClinVar variation 1413510 (VCV001413510.4), dbSNP rs772901588, ClinGen allele CA8577091.